The following is an entry in ClinVar:

ClinVar aggregate classification (germline): Pathogenic/Likely pathogenic. Review status: criteria provided, multiple submitters, no conflicts (2 of 4 stars). 3 submissions from 3 submitters: Pathogenic (1); Likely pathogenic (1). 1 of the submissions does not count toward it. Last evaluated 2026-03-09.

Conditions:
GRHL2-related disorder. Also called: GRHL2-related disorders; GRHL2-related condition.
Autosomal dominant nonsyndromic hearing loss 28. Identifiers: Orphanet 90635, MedGen C1837640, MONDO:0012083, OMIM 608641.

gnomAD v4.1: 2 of 1,614,110 alleles (0.00012%); highest among the groups gnomAD compares: Non-Finnish European, 0.00017%; no homozygotes.

Submissions (3):

GeneDx
Classification: Likely pathogenic. Last evaluated: 2026-03-09. Review status: criteria provided, single submitter. Criteria: GeneDx Variant Classification Process June 2021. Collection method: clinical testing. Allele origin: germline.
Comment: Nonsense variant predicted to result in protein truncation or nonsense mediated decay in a gene for which loss of function is a known mechanism of disease; Not observed at significant frequency in large population cohorts (gnomAD); Has not been previously published as pathogenic or benign to our knowledge

3billion
Classification: Pathogenic for Autosomal dominant nonsyndromic hearing loss 28. Last evaluated: 2025-10-28. Review status: criteria provided, single submitter. Criteria: ACMG Guidelines, 2015. Collection method: clinical testing. Allele origin: germline. Affected: yes.
Comment: The variant is observed at an extremely low frequency in the gnomAD v4.1.0 dataset (total allele frequency: <0.001%). Predicted Consequence/Location: Stop-gained (nonsense): predicted to result in a loss or disruption of normal protein function through nonsense-mediated decay (NMD) or protein truncation. Multiple pathogenic variants are reported downstream of the variant. The variant has been reported to be associated with GRHL2-related disorder (ClinVar ID: VCV003354517). Therefore, this variant is classified as Pathogenic according to the recommendation of ACMG/AMP guideline.

PreventionGenetics, part of Exact Sciences
Classification: Likely pathogenic for GRHL2-related condition. Last evaluated: 2024-09-18. Review status: no assertion criteria provided. Collection method: clinical testing. Allele origin: germline. Not counted in ClinVar's aggregate classification.
Comment: The GRHL2 c.868C>T variant is predicted to result in premature protein termination (p.Arg290*). To our knowledge, this variant has not been reported in the literature or in a large population database, indicating this variant is rare. A small number of sequence variants resulting in premature termination have been reported to segregate with autosomal dominant hearing loss in several large families (Peters. 2002. PubMed ID: 12393799; Vona. 2013. PubMed ID: 23813623; Wu. 2020. PubMed ID: 32048449; Trebusak Podkrajsek. 2021. PubMed ID: 33810548), and this gene is predicted to be intolerant loss of function variants. This variant is interpreted as likely pathogenic.

NM_024915.4(GRHL2):c.868C>T (p.Arg290Ter)

Gene: GRHL2 (grainyhead like transcription factor 2; plus strand). Cytogenetic location: 8q22.3.
Variant type: single nucleotide variant.
Coding change: c.868C>T on transcript NM_024915.4 (MANE Select); coding-DNA position 868, C replaced by T.
Protein change: p.Arg290Ter; replaces arginine 290 with a stop codon.
Molecular consequence: nonsense.
Genome position (GRCh38, 1-based): chr8:101,573,801, C>T. VCF-style: chr8-101573801-C-T. GRCh37 (hg19) VCF-style: chr8-102586029-C-T.
Other names: c.820C>T, p.Arg274Ter (NM_001330593.2); short protein forms R274*, R290*.
Identifiers: ClinVar variation 3354517 (VCV003354517.4).